The following is an entry in ClinVar:

ClinVar aggregate classification (germline): Uncertain significance (1 of 4 stars; one submission).

Allele frequency attached by ClinVar (database versions not stated): ExAC 0.00005; ESP Exome Variant Server 0.00008; 1000 Genomes Project 0.00020; 1000 Genomes Project 30x 0.00016; gnomAD 0.00015; TOPMed 0.00015.
gnomAD v4.1: 43 of 1,604,748 alleles (0.0027%); highest among the groups gnomAD compares: African/African-American, 0.04%; no homozygotes.

Submission:

GeneDx
Classification: Uncertain significance. Last evaluated: 2025-02-27. Review status: criteria provided, single submitter. Criteria: GeneDx Variant Classification Process June 2021. Collection method: clinical testing. Allele origin: germline.
Comment: Nucleotide is not conserved across species and the substitution has no predicted effect on splicing; Has not been previously published as pathogenic or benign to our knowledge; Located in a regulatory region; in the absence of functional studies, the actual effect of this sequence change is unknown

NM_000334.4(SCN4A):c.-2G>T

Gene: SCN4A (sodium voltage-gated channel alpha subunit 4; minus strand). Cytogenetic location: 17q23.3.
Variant type: single nucleotide variant.
Coding change: c.-2G>T on transcript NM_000334.4 (MANE Select); 2 bases upstream of the start codon, G replaced by T.
Molecular consequence: 5 prime UTR variant.
Genome position (GRCh38, 1-based): chr17:63,972,843, C>A on the plus strand (G>T on the coding strand, the complement: SCN4A is on the minus strand). VCF-style: chr17-63972843-C-A. GRCh37 (hg19) VCF-style: chr17-62050203-C-A.
Identifiers: ClinVar variation 1712699 (VCV001712699.3), dbSNP rs371682729, ClinGen allele CA8710312.